The following is an entry in ClinVar:

NM_006393.3(NEBL):c.1608G>T (p.Met536Ile)

Gene: NEBL (nebulette; minus strand). Cytogenetic location: 10p12.31.
Variant type: single nucleotide variant.
Coding change: c.1608G>T on transcript NM_006393.3 (MANE Select); coding-DNA position 1608, G replaced by T.
Protein change: p.Met536Ile; replaces methionine 536 with isoleucine.
Molecular consequence: missense variant. On other transcripts: intron variant (9).
Genome position (GRCh38, 1-based): chr10:20,831,259, C>A on the plus strand (G>T on the coding strand, the complement: NEBL is on the minus strand). VCF-style: chr10-20831259-C-A. GRCh37 (hg19) VCF-style: chr10-21120188-C-A.
Other names: p.M536I:ATG>ATT; c.250-18319G>T (NM_001377326.1, NM_001377327.1, NM_001377328.1); c.358-18319G>T (NM_213569.2, NM_001173484.2, NM_001377322.1); c.301-18319G>T (NM_001377324.1); c.292-18319G>T (NM_001377325.1); c.310-18319G>T (NM_001377323.1); short protein forms M536I.
Identifiers: ClinVar variation 201902 (VCV000201902.10), dbSNP rs794729078, ClinGen allele CA335349.

ClinVar aggregate classification (germline): Uncertain significance. Review status: criteria provided, multiple submitters, no conflicts (2 of 4 stars). 3 submissions from 3 submitters: Uncertain significance (3). Last evaluated 2025-12-19.

Conditions:
Primary dilated cardiomyopathy (DCM). Also called: Dilated Cardiomyopathy. Identifiers: Orphanet 217604, MedGen C0007193, MeSH D002311, MONDO:0005021, HP:0001644. Inheritance: Various modes of inheritance.

Allele frequency attached by ClinVar (database versions not stated): gnomAD 0.00001; gnomAD exomes 0.00001; TOPMed 0.00002.
gnomAD v4.1: 8 of 1,613,378 alleles (0.0005%); highest among the groups gnomAD compares: African/African-American, 0.004%; no homozygotes.

Submissions (3):

Labcorp Genetics (formerly Invitae), Labcorp
Classification: Uncertain significance for Primary dilated cardiomyopathy. Last evaluated: 2025-12-19. Review status: criteria provided, single submitter. Criteria: Invitae Variant Classification Sherloc (09022015). Collection method: clinical testing. Allele origin: germline.
Comment: This sequence change replaces methionine, which is neutral and non-polar, with isoleucine, which is neutral and non-polar, at codon 536 of the NEBL protein (p.Met536Ile). This variant is present in population databases (rs794729078, gnomAD 0.01%). This variant has not been reported in the literature in individuals affected with NEBL-related conditions. ClinVar contains an entry for this variant (Variation ID: 201902). An algorithm developed to predict the effect of missense changes on protein structure and function (PolyPhen-2) suggests that this variant is likely to be tolerated. In summary, the available evidence is currently insufficient to determine the role of this variant in disease. Therefore, it has been classified as a Variant of Uncertain Significance.

Ambry Genetics
Classification: Uncertain significance. Last evaluated: 2024-12-31. Review status: criteria provided, single submitter. Criteria: Ambry Variant Classification Scheme 2023. Collection method: clinical testing. Allele origin: germline.
Comment: The p.M536I variant (also known as c.1608G>T), located in coding exon 16 of the NEBL gene, results from a G to T substitution at nucleotide position 1608. The methionine at codon 536 is replaced by isoleucine, an amino acid with highly similar properties. This amino acid position is conserved. In addition, this alteration is predicted to be tolerated by in silico analysis. Since supporting evidence is limited at this time, the clinical significance of this alteration remains unclear.

GeneDx
Classification: Uncertain significance. Last evaluated: 2014-01-10. Review status: criteria provided, single submitter. Criteria: GeneDx Variant Classification (06012015). Collection method: clinical testing. Allele origin: germline. Affected: yes.
Comment: p.Met536Ile (ATG>ATT): c.1608 G>T in exon 16 of the NEBL gene (NM_006393.2). The M536I variant in the NEBL gene has not been reported as a disease-causing mutation or as a benign polymorphism to our knowledge. The M536I variant is a conservative amino acid substitution as these residues share similar properties, and are least likely to impact secondary structure. In silico algorithms are not consistent in their predictions but at least two concur that M536I is benign to the protein structure/function. No mutations in nearby residues have been reported in association with cardiomyopathy, indicating this region of the protein may be tolerant of change. Nevertheless, the M536 residue is conserved in mammals. The M536I variant was not observed in approximately 6,500 individuals of European and African American ancestry in the NHLBI Exome Sequencing Project, indicating it is not a common benign variant in these populations. With the clinical and molecular information available at this time, we cannot definitively determine if M536I is a disease-causing mutation or a rare benign variant. The variant is found in CARDIOMYOPATHY panel(s).